The following is an entry in ClinVar:

NM_001042492.3(NF1):c.1382G>A (p.Arg461Gln)

Gene: NF1 (neurofibromin 1; plus strand). Cytogenetic location: 17q11.2.
Variant type: single nucleotide variant.
Coding change: c.1382G>A on transcript NM_001042492.3 (MANE Select); coding-DNA position 1382, G replaced by A.
Protein change: p.Arg461Gln; replaces arginine 461 with glutamine.
Molecular consequence: missense variant.
Genome position (GRCh38, 1-based): chr17:31,206,361, G>A. VCF-style: chr17-31206361-G-A. GRCh37 (hg19) VCF-style: chr17-29533379-G-A.
Other names: c.1382G>A, p.Arg461Gln (NM_000267.4, NM_001128147.3); short protein forms R461Q.
Identifiers: ClinVar variation 583040 (VCV000583040.11), dbSNP rs1555611606, ClinGen allele CA398999858.

ClinVar aggregate classification (germline): Uncertain significance. Review status: criteria provided, multiple submitters, no conflicts (2 of 4 stars). 3 submissions from 3 submitters: Uncertain significance (3). Last evaluated 2026-01-25.

Conditions:
Cardiovascular phenotype. Identifiers: MedGen CN230736.
Hereditary cancer-predisposing syndrome. Also called: Neoplastic Syndromes, Hereditary; Hereditary Cancer Syndrome; Tumor predisposition; Hereditary neoplastic syndrome. Identifiers: Orphanet 140162, MedGen C0027672, MeSH D009386, MONDO:0015356.
Neurofibromatosis, type 1 (NF1). Also called: Peripheral type neurofibromatosis; VON RECKLINGHAUSEN DISEASE; NEUROFIBROMATOSIS, TYPE I, SOMATIC; Neurofibromatosis, type I. Identifiers: Orphanet 636, MedGen C0027831, MONDO:0018975, OMIM 162200. Disease mechanism: loss of function.

Allele frequency attached by ClinVar (database versions not stated): gnomAD exomes below 0.00001.
gnomAD v4.1: 1 of 1,613,644 alleles (0.000062%); highest among the groups gnomAD compares: Non-Finnish European, 0.000085%; no homozygotes.

Submissions (3):

Labcorp Genetics (formerly Invitae), Labcorp
Classification: Uncertain significance for Neurofibromatosis, type 1. Last evaluated: 2026-01-25. Review status: criteria provided, single submitter. Criteria: Invitae Variant Classification Sherloc (09022015). Collection method: clinical testing. Allele origin: germline.
Comment: This sequence change replaces arginine, which is basic and polar, with glutamine, which is neutral and polar, at codon 461 of the NF1 protein (p.Arg461Gln). This variant is not present in population databases (gnomAD no frequency). This variant has not been reported in the literature in individuals affected with NF1-related conditions. ClinVar contains an entry for this variant (Variation ID: 583040). Invitae Evidence Modeling of protein sequence and biophysical properties (such as structural, functional, and spatial information, amino acid conservation, physicochemical variation, residue mobility, and thermodynamic stability) has been performed for this missense variant. However, the output from this modeling did not meet the statistical confidence thresholds required to predict the impact of this variant on NF1 protein function. In summary, the available evidence is currently insufficient to determine the role of this variant in disease. Therefore, it has been classified as a Variant of Uncertain Significance.

Ambry Genetics
Classification: Uncertain significance for Cardiovascular phenotype; Hereditary cancer-predisposing syndrome. Last evaluated: 2023-09-06. Review status: criteria provided, single submitter. Criteria: Ambry Variant Classification Scheme 2023. Collection method: clinical testing. Allele origin: germline.
Comment: The p.R461Q variant (also known as c.1382G>A), located in coding exon 12 of the NF1 gene, results from a G to A substitution at nucleotide position 1382. The arginine at codon 461 is replaced by glutamine, an amino acid with highly similar properties. This amino acid position is highly conserved in available vertebrate species. In addition, the in silico prediction for this alteration is inconclusive. Since supporting evidence is limited at this time, the clinical significance of this alteration remains unclear.

Genome-Nilou Lab
Classification: Uncertain significance for Neurofibromatosis, type 1. Last evaluated: 2022-03-15. Review status: criteria provided, single submitter. Criteria: ACMG Guidelines, 2015. Collection method: clinical testing. Allele origin: germline. Affected: no.